The following is an entry in ClinVar:

NM_005477.3(HCN4):c.1678C>G (p.Gln560Glu)

Gene: HCN4 (hyperpolarization activated cyclic nucleotide gated potassium channel 4; minus strand). Cytogenetic location: 15q24.1.
Variant type: single nucleotide variant.
Coding change: c.1678C>G on transcript NM_005477.3 (MANE Select); coding-DNA position 1678, C replaced by G.
Protein change: p.Gln560Glu; replaces glutamine 560 with glutamic acid.
Molecular consequence: missense variant.
Genome position (GRCh38, 1-based): chr15:73,325,357, G>C on the plus strand (C>G on the coding strand, the complement: HCN4 is on the minus strand). VCF-style: chr15-73325357-G-C. GRCh37 (hg19) VCF-style: chr15-73617698-G-C.
Other names: short protein forms Q560E.
Identifiers: ClinVar variation 4777470 (VCV004777470.1).

ClinVar aggregate classification (germline): Uncertain significance (1 of 4 stars; one submission).

Conditions:
Brugada syndrome 8 (BRGDA8). Identifiers: Orphanet 130, MedGen C2751083, MONDO:0013148, OMIM 613123.

Submission:

Labcorp Genetics (formerly Invitae), Labcorp
Classification: Uncertain significance for Brugada syndrome 8. Last evaluated: 2025-05-27. Review status: criteria provided, single submitter. Criteria: Invitae Variant Classification Sherloc (09022015). Collection method: clinical testing. Allele origin: germline.
Comment: This sequence change replaces glutamine, which is neutral and polar, with glutamic acid, which is acidic and polar, at codon 560 of the HCN4 protein (p.Gln560Glu). This variant is present in population databases (no rsID available, gnomAD 0.003%). This variant has not been reported in the literature in individuals affected with HCN4-related conditions. Invitae Evidence Modeling of protein sequence and biophysical properties (such as structural, functional, and spatial information, amino acid conservation, physicochemical variation, residue mobility, and thermodynamic stability) indicates that this missense variant is expected to disrupt HCN4 protein function with a positive predictive value of 95%. In summary, the available evidence is currently insufficient to determine the role of this variant in disease. Therefore, it has been classified as a Variant of Uncertain Significance.